The following is an entry in ClinVar:

ClinVar aggregate classification (germline): Uncertain significance (1 of 4 stars; one submission).

Conditions:
Familial intrahepatic cholestasis. Identifiers: Orphanet 284385, MedGen CN296401, MONDO:0017290.

gnomAD v4.1: 1 of 1,613,854 alleles (0.000062%); highest among the groups gnomAD compares: South Asian, 0.0011%; no homozygotes.

Submission:

Genomenon, Inc
Classification: Uncertain significance for Familial intrahepatic cholestasis. Last evaluated: 2026-04-14. Review status: criteria provided, single submitter. Criteria: Genomenon Sequence Variant Interpretation Standards - Updated. Collection method: curation. Allele origin: germline. Affected: yes.
Comment: ABCB11 p.Met86Thr (c.257T>C) is a missense variant that changes the amino acid at residue 86 from Methionine to Threonine. This variant has been observed in at least one proband with an ABCB11-related disorder (PMID:39960943). It is absent or not present at a significant frequency in gnomAD. In silico models predict that this variant is possibly or probably damaging. In conclusion, we classify ABCB11 p.Met86Thr (c.257T>C) as a variant of uncertain significance.

Literature cited by the submitters: PubMed 39960943.

NM_003742.4(ABCB11):c.257T>C (p.Met86Thr)

Gene: ABCB11 (ATP binding cassette subfamily B member 11; minus strand). Cytogenetic location: 2q31.1.
Variant type: single nucleotide variant.
Coding change: c.257T>C on transcript NM_003742.4 (MANE Select); coding-DNA position 257, T replaced by C.
Protein change: p.Met86Thr; replaces methionine 86 with threonine.
Molecular consequence: missense variant.
Genome position (GRCh38, 1-based): chr2:169,013,404, A>G on the plus strand (T>C on the coding strand, the complement: ABCB11 is on the minus strand). VCF-style: chr2-169013404-A-G. GRCh37 (hg19) VCF-style: chr2-169869914-A-G.
Other names: short protein forms M86T.
Identifiers: ClinVar variation 4846107 (VCV004846107.1).